The following is an entry in ClinVar:

NM_024757.5(EHMT1):c.2291C>G (p.Pro764Arg)

Gene: EHMT1 (euchromatic histone lysine methyltransferase 1; plus strand). Cytogenetic location: 9q34.3.
Variant type: single nucleotide variant.
Coding change: c.2291C>G on transcript NM_024757.5 (MANE Select); coding-DNA position 2291, C replaced by G.
Protein change: p.Pro764Arg; replaces proline 764 with arginine.
Molecular consequence: missense variant.
Genome position (GRCh38, 1-based): chr9:137,782,306, C>G. VCF-style: chr9-137782306-C-G. GRCh37 (hg19) VCF-style: chr9-140676758-C-G.
Other names: c.2291C>G, p.Pro764Arg (NM_001145527.2); c.2198C>G, p.Pro733Arg (NM_001354259.2); c.2270C>G, p.Pro757Arg (NM_001354263.2); short protein forms P733R, P757R, P764R.
Identifiers: ClinVar variation 3239476 (VCV003239476.19), dbSNP rs2542531701.
Genomic context (GRCh38, chr9:137,782,306, plus strand): 5'-TGTGGCTACATCTGAAATCATTAATAAAACTGTGTTTGTTCACAGTGGACGGAATTGACC[C>G]CAACTTCAAAATGGAGCACCAGAATAAGCGCTCTCCACTGCACGCCGCGGCAGAGGCTGG-3'
Protein context (NP_079033.4, residues 754-774): VLLMLVDGID[Pro764Arg]NFKMEHQNKR

ClinVar aggregate classification (germline): Uncertain significance (1 of 4 stars; one submission).

Submission:

CeGaT Center for Human Genetics Tuebingen
Classification: Uncertain significance. Last evaluated: 2024-05-01. Review status: criteria provided, single submitter. Criteria: CeGaT Center For Human Genetics Tuebingen Variant Classification Criteria Version 2. Collection method: clinical testing. Allele origin: germline. Affected: yes. Observed: 1 variant allele.
Comment: EHMT1: PM2, PP3